The following is an entry in ClinVar:

NM_001197104.2(KMT2A):c.5621dup (p.Gln1875fs)

Gene: KMT2A (lysine methyltransferase 2A; plus strand). Cytogenetic location: 11q23.3.
Variant type: Duplication.
Coding change: c.5621dup on transcript NM_001197104.2 (MANE Select); coding-DNA position 5621, one base duplicated (G; older notation c.5621dupG).
Protein change: p.Gln1875fs; shifts the reading frame from glutamine 1875.
Molecular consequence: frameshift variant.
Genome position (GRCh38, 1-based): chr11:118,496,324, G duplicated. VCF-style (leftmost placement, unchanged base first): chr11-118496323-A-AG. GRCh37 (hg19) VCF-style: chr11-118367038-A-AG.
Other names: c.5621dupG (NM_001197104.1); c.5612dup, p.Gln1872fs (NM_005933.4); short protein forms Q1872fs, Q1875fs.
Identifiers: ClinVar variation 419205 (VCV000419205.3), dbSNP rs1555043939, ClinGen allele CA16619281.

ClinVar aggregate classification (germline): Pathogenic. Review status: criteria provided, multiple submitters, no conflicts (2 of 4 stars). 2 submissions from 2 submitters: Pathogenic (2). Last evaluated 2015-07-15.

Conditions:
Wiedemann-Steiner syndrome (WDSTS). Also called: Growth deficiency and mental retardation with facial dysmorphism. Identifiers: Orphanet 319182, MedGen C1854630, MONDO:0011518, OMIM 605130.

Submissions (2):

GeneDx
Classification: Pathogenic. Last evaluated: 2015-07-15. Review status: criteria provided, single submitter. Criteria: GeneDx Variant Classification (06012015). Collection method: clinical testing. Allele origin: germline. Affected: yes.
Comment: The c.5621dupG duplication in the KMT2A gene has not been reported previously as a pathogenic variant nor as a benign polymorphism, to our knowledge. The c.5621dupG duplication is predicted to cause loss of normal protein function either through protein truncation or nonsense-mediated mRNA decay. The c.5621dupG variant was not observed in approximately 6500 individuals of European and African American ancestry in the NHLBI Exome Sequencing Project, indicating it is not a common benign variant in these populations. We interpret c.5621dupG as a pathogenic variant.

Institute for Genomic Statistics and Bioinformatics, University Hospital Bonn
Classification: Pathogenic for Wiedemann-Steiner syndrome. Review status: criteria provided, single submitter. Criteria: ACMG Guidelines, 2015. Collection method: clinical testing. Allele origin: unknown. Affected: yes. Observed: 1 variant allele.